The following is an entry in ClinVar:

ClinVar aggregate classification (germline): Uncertain significance. Review status: criteria provided, multiple submitters, no conflicts (2 of 4 stars). 3 submissions from 3 submitters: Uncertain significance (3). Last evaluated 2025-02-07.

Conditions:
Charcot-Marie-Tooth disease axonal type 2L. Also called: Charcot-Marie-Tooth Neuropathy Type 2L; CHARCOT-MARIE-TOOTH DISEASE, AXONAL, AUTOSOMAL DOMINANT, TYPE 2L; CHARCOT-MARIE-TOOTH NEUROPATHY, AXONAL, TYPE 2L. Identifiers: Orphanet 99945, MedGen C1837552, MONDO:0012096, OMIM 608673.
HSPB8-related disorder. Also called: HSPB8-related condition.

Allele frequency attached by ClinVar (database versions not stated): TOPMed 0.00001.

Submissions (3):

PreventionGenetics, part of Exact Sciences
Classification: Uncertain significance for HSPB8-related condition. Last evaluated: 2025-02-07. Review status: criteria provided, single submitter. Criteria: ACMG Guidelines, 2015. Collection method: clinical testing. Allele origin: germline.
Comment: The HSPB8 c.85C>T variant is predicted to result in the amino acid substitution p.Arg29Cys. To our knowledge, this variant has not been reported in the literature. This variant is reported in 0.0085% of alleles in individuals of Latino descent in gnomAD. At this time, the clinical significance of this variant is uncertain due to the absence of conclusive functional and genetic evidence.

GeneDx
Classification: Uncertain significance. Last evaluated: 2023-02-27. Review status: criteria provided, single submitter. Criteria: GeneDx Variant Classification Process June 2021. Collection method: clinical testing. Allele origin: germline. Affected: yes.
Comment: In silico analysis supports that this missense variant has a deleterious effect on protein structure/function; Has not been previously published as pathogenic or benign to our knowledge

Labcorp Genetics (formerly Invitae), Labcorp
Classification: Uncertain significance for Charcot-Marie-Tooth disease axonal type 2L. Last evaluated: 2021-06-12. Review status: criteria provided, single submitter. Criteria: Invitae Variant Classification Sherloc (09022015). Collection method: clinical testing. Allele origin: germline.
Comment: In summary, the available evidence is currently insufficient to determine the role of this variant in disease. Therefore, it has been classified as a Variant of Uncertain Significance. Algorithms developed to predict the effect of missense changes on protein structure and function are either unavailable or do not agree on the potential impact of this missense change (SIFT: "Deleterious"; PolyPhen-2: "Benign"; Align-GVGD: "Class C0"). This variant has not been reported in the literature in individuals with HSPB8-related conditions. ClinVar contains an entry for this variant (Variation ID: 943916). This variant is present in population databases (rs748320300, ExAC 0.009%). This sequence change replaces arginine with cysteine at codon 29 of the HSPB8 protein (p.Arg29Cys). The arginine residue is highly conserved and there is a large physicochemical difference between arginine and cysteine.

NM_014365.3(HSPB8):c.85C>T (p.Arg29Cys)

Gene: HSPB8 (heat shock protein family B (small) member 8; plus strand). Cytogenetic location: 12q24.23.
Variant type: single nucleotide variant.
Coding change: c.85C>T on transcript NM_014365.3 (MANE Select); coding-DNA position 85, C replaced by T.
Protein change: p.Arg29Cys; replaces arginine 29 with cysteine.
Molecular consequence: missense variant.
Genome position (GRCh38, 1-based): chr12:119,179,397, C>T. VCF-style: chr12-119179397-C-T. GRCh37 (hg19) VCF-style: chr12-119617202-C-T.
Other names: short protein forms R29C.
Identifiers: ClinVar variation 943916 (VCV000943916.11), dbSNP rs748320300, ClinGen allele CA6819493.